The following is an entry in ClinVar:

ClinVar aggregate classification (germline): Conflicting classifications of pathogenicity. Review status: criteria provided, conflicting classifications (1 of 4 stars). 4 submissions from 4 submitters: Uncertain significance (1); Likely benign (3). Last evaluated 2026-02-01.

Conditions:
Collagen 6-related myopathy. Identifiers: MedGen CN117976, MONDO:0100225.
Bethlem myopathy 1A. Also called: Bethlem myopathy 1; MYOPATHY, BENIGN CONGENITAL, WITH CONTRACTURES; Bethlem Muscular Dystrophy. Identifiers: Orphanet 610, MedGen CN029274, MONDO:0024530, OMIM 158810.

Allele frequency attached by ClinVar (database versions not stated): gnomAD 0.00004; TOPMed 0.00004; gnomAD exomes 0.00007; ExAC 0.00008; ESP Exome Variant Server 0.00008.
gnomAD v4.1: 121 of 1,613,976 alleles (0.0075%); highest among the groups gnomAD compares: Admixed American, 0.017%; no homozygotes.

Submissions (4):

Labcorp Genetics (formerly Invitae), Labcorp
Classification: Likely benign for Bethlem myopathy 1A. Last evaluated: 2026-02-01. Review status: criteria provided, single submitter. Criteria: Invitae Variant Classification Sherloc (09022015). Collection method: clinical testing. Allele origin: germline.

Blueprint Genetics
Classification: Likely benign. Last evaluated: 2023-08-09. Review status: criteria provided, single submitter. Criteria: ACMG Guidelines, 2015. Collection method: clinical testing. Allele origin: germline.

Eurofins Ntd Llc (ga)
Classification: Uncertain significance. Last evaluated: 2018-08-23. Review status: criteria provided, single submitter. Criteria: EGL ClinVar v180209 classification definitions. Collection method: clinical testing. Allele origin: germline. Observed: 3 variant alleles, 3 heterozygotes.

Illumina Laboratory Services, Illumina
Classification: Likely benign for Collagen VI-related myopathy. Last evaluated: 2018-01-13. Review status: criteria provided, single submitter. Criteria: ICSL Variant Classification Criteria 13 December 2019. Collection method: clinical testing. Allele origin: germline.
Comment: This variant was observed in the ICSL laboratory as part of a predisposition screen in an ostensibly healthy population. It had not been previously curated by ICSL or reported in the Human Gene Mutation Database (HGMD: prior to June 1st, 2018), and was therefore a candidate for classification through an automated scoring system. Utilizing variant allele frequency, disease prevalence and penetrance estimates, and inheritance mode, an automated score was calculated to assess if this variant is too frequent to cause the disease. Based on the score and internal cut-off values, a variant classified as likely benign is not then subjected to further curation. The score for this variant resulted in a classification of likely benign for this disease.

NM_004369.4(COL6A3):c.8415C>T (p.Asn2805=)

Gene: COL6A3 (collagen type VI alpha 3 chain; minus strand). Cytogenetic location: 2q37.3.
Variant type: single nucleotide variant.
Coding change: c.8415C>T on transcript NM_004369.4 (MANE Select); coding-DNA position 8415, C replaced by T.
Protein change: p.Asn2805=; no amino-acid change (asparagine 2805 retained).
Molecular consequence: synonymous variant.
Genome position (GRCh38, 1-based): chr2:237,340,501, G>A on the plus strand (C>T on the coding strand, the complement: COL6A3 is on the minus strand). VCF-style: chr2-237340501-G-A. GRCh37 (hg19) VCF-style: chr2-238249144-G-A.
Other names: c.6594C>T, p.Asn2198= (NM_057166.5); c.7797C>T, p.Asn2599= (NM_057167.4).
Identifiers: ClinVar variation 197033 (VCV000197033.20), dbSNP rs375442243, ClinGen allele CA244928.